The following is an entry in ClinVar:

NM_001605.3(AARS1):c.1006C>T (p.His336Tyr)

Gene: AARS1 (alanyl-tRNA synthetase 1; minus strand). Cytogenetic location: 16q22.1.
Variant type: single nucleotide variant.
Coding change: c.1006C>T on transcript NM_001605.3 (MANE Select); coding-DNA position 1006, C replaced by T.
Protein change: p.His336Tyr; replaces histidine 336 with tyrosine.
Molecular consequence: missense variant.
Genome position (GRCh38, 1-based): chr16:70,268,336, G>A on the plus strand (C>T on the coding strand, the complement: AARS1 is on the minus strand). VCF-style: chr16-70268336-G-A. GRCh37 (hg19) VCF-style: chr16-70302239-G-A.
Other names: short protein forms H336Y.
Identifiers: ClinVar variation 412293 (VCV000412293.8), dbSNP rs756594937, ClinGen allele CA8140952.

ClinVar aggregate classification (germline): Uncertain significance (1 of 4 stars; one submission).

Conditions:
Charcot-Marie-Tooth disease type 2. Also called: Charcot-Marie-Tooth type 2. Identifiers: Orphanet 64746, MedGen C0270914, MONDO:0018993.

Allele frequency attached by ClinVar (database versions not stated): TOPMed below 0.00001; ExAC 0.00001; gnomAD exomes below 0.00001.

Submission:

Labcorp Genetics (formerly Invitae), Labcorp
Classification: Uncertain significance for Charcot-Marie-Tooth disease type 2. Last evaluated: 2016-04-10. Review status: criteria provided, single submitter. Criteria: Invitae Variant Classification Sherloc (09022015). Collection method: clinical testing. Allele origin: germline.
Comment: In summary, this variant is a rare missense change with uncertain impact on protein function. There is no indication that it causes disease, but the available evidence is currently insufficient to prove that conclusively. Therefore, it has been classified as a Variant of Uncertain Significance. Algorithms developed to predict the effect of missense changes on protein structure and function do not agree on the potential impact of this missense change (SIFT: "Tolerated"; PolyPhen-2: "Probably Damaging"; Align-GVGD: "Class C0"). This variant is present in population databases (rs756594937, ExAC 0.01%) but has not been reported in the literature in individuals with a AARS-related disease. This sequence change replaces histidine with tyrosine at codon 336 of the AARS protein (p.His336Tyr). The histidine residue is moderately conserved and there is a moderate physicochemical difference between histidine and tyrosine.